The following is an entry in ClinVar:

NM_014324.6(AMACR):c.19T>A (p.Ser7Thr)

Genes: AMACR (alpha-methylacyl-CoA racemase; minus strand), C1QTNF3-AMACR (C1QTNF3-AMACR readthrough (NMD candidate); minus strand). Cytogenetic location: 5p13.2.
Variant type: single nucleotide variant.
Coding change: c.19T>A on transcript NM_014324.6 (MANE Select); coding-DNA position 19, T replaced by A.
Protein change: p.Ser7Thr; replaces serine 7 with threonine.
Molecular consequence: missense variant.
Genome position (GRCh38, 1-based): chr5:34,008,001, A>T on the plus strand (T>A on the coding strand, the complement: AMACR is on the minus strand). VCF-style: chr5-34008001-A-T. GRCh37 (hg19) VCF-style: chr5-34008106-A-T.
Other names: c.19T>A, p.Ser7Thr (NM_001167595.2, NM_203382.3); short protein forms S7T.
Identifiers: ClinVar variation 2186843 (VCV002186843.3), dbSNP rs781565558, ClinGen allele CA3226312.

ClinVar aggregate classification (germline): Uncertain significance (1 of 4 stars; one submission).

Conditions:
Alpha-methylacyl-CoA racemase deficiency (AMACRD). Also called: AMACR deficiency. Identifiers: Orphanet 79095, MedGen C3280428, MONDO:0013681, OMIM 614307. Disease mechanism: loss of function.

Allele frequency attached by ClinVar (database versions not stated): gnomAD 0.00002; gnomAD exomes 0.00002; TOPMed 0.00002; ExAC 0.00003.

Submission:

Labcorp Genetics (formerly Invitae), Labcorp
Classification: Uncertain significance for Alpha-methylacyl-CoA racemase deficiency. Last evaluated: 2024-10-16. Review status: criteria provided, single submitter. Criteria: Invitae Variant Classification Sherloc (09022015). Collection method: clinical testing. Allele origin: germline.
Comment: This sequence change replaces serine, which is neutral and polar, with threonine, which is neutral and polar, at codon 7 of the AMACR protein (p.Ser7Thr). This variant is present in population databases (rs781565558, gnomAD 0.006%). This variant has not been reported in the literature in individuals affected with AMACR-related conditions. ClinVar contains an entry for this variant (Variation ID: 2186843). Invitae Evidence Modeling of protein sequence and biophysical properties (such as structural, functional, and spatial information, amino acid conservation, physicochemical variation, residue mobility, and thermodynamic stability) indicates that this missense variant is not expected to disrupt AMACR protein function with a negative predictive value of 80%. In summary, the available evidence is currently insufficient to determine the role of this variant in disease. Therefore, it has been classified as a Variant of Uncertain Significance.